The following is an entry in ClinVar:

NM_000179.3(MSH6):c.3803C>A (p.Ala1268Glu)

Gene: MSH6 (mutS homolog 6; plus strand). Cytogenetic location: 2p16.3.
Variant type: single nucleotide variant.
Coding change: c.3803C>A on transcript NM_000179.3 (MANE Select); coding-DNA position 3803, C replaced by A.
Protein change: p.Ala1268Glu; replaces alanine 1268 with glutamic acid.
Molecular consequence: missense variant.
Genome position (GRCh38, 1-based): chr2:47,806,453, C>A. VCF-style: chr2-47806453-C-A. GRCh37 (hg19) VCF-style: chr2-48033592-C-A.
Other names: c.3413C>A, p.Ala1138Glu (NM_001281492.2); c.2897C>A, p.Ala966Glu (NM_001281493.2, NM_001281494.2); short protein forms A1268E, A1138E, A966E.
Identifiers: ClinVar variation 1427503 (VCV001427503.7), dbSNP rs587779293, ClinGen allele CA014410.

ClinVar aggregate classification (germline): Uncertain significance. Review status: criteria provided, multiple submitters, no conflicts (2 of 4 stars). 2 submissions from 2 submitters: Uncertain significance (2). Last evaluated 2024-12-10.

Conditions:
Hereditary nonpolyposis colorectal neoplasms. Identifiers: MedGen C0009405, MeSH D003123.
Hereditary cancer-predisposing syndrome. Also called: Tumor predisposition; Hereditary neoplastic syndrome; Neoplastic Syndromes, Hereditary; Hereditary Cancer Syndrome. Identifiers: Orphanet 140162, MedGen C0027672, MeSH D009386, MONDO:0015356.

Submissions (2):

Color Diagnostics, LLC DBA Color Health
Classification: Uncertain significance for Hereditary cancer-predisposing syndrome. Last evaluated: 2024-12-10. Review status: criteria provided, single submitter. Criteria: ACMG Guidelines, 2015. Collection method: clinical testing. Allele origin: germline.
Comment: This missense variant replaces alanine with glutamic acid at codon 1268 of the MSH6 protein. Computational prediction suggests that this variant may have deleterious impact on protein structure and function (internally defined REVEL score threshold >= 0.7, PMID: 27666373). To our knowledge, functional studies have not been reported for this variant. This variant has not been reported in individuals affected with MSH6-related disorders in the literature. This variant has not been identified in the general population by the Genome Aggregation Database (gnomAD). The available evidence is insufficient to determine the role of this variant in disease conclusively. Therefore, this variant is classified as a Variant of Uncertain Significance.

Labcorp Genetics (formerly Invitae), Labcorp
Classification: Uncertain significance for Hereditary nonpolyposis colorectal neoplasms. Last evaluated: 2022-08-12. Review status: criteria provided, single submitter. Criteria: Invitae Variant Classification Sherloc (09022015). Collection method: clinical testing. Allele origin: germline.
Comment: In summary, the available evidence is currently insufficient to determine the role of this variant in disease. Therefore, it has been classified as a Variant of Uncertain Significance. Algorithms developed to predict the effect of missense changes on protein structure and function are either unavailable or do not agree on the potential impact of this missense change (SIFT: "Deleterious"; PolyPhen-2: "Probably Damaging"; Align-GVGD: "Class C0"). ClinVar contains an entry for this variant (Variation ID: 1427503). This variant has not been reported in the literature in individuals affected with MSH6-related conditions. This variant is not present in population databases (gnomAD no frequency). This sequence change replaces alanine, which is neutral and non-polar, with glutamic acid, which is acidic and polar, at codon 1268 of the MSH6 protein (p.Ala1268Glu).